The following is an entry in ClinVar:

NM_020928.2(ZSWIM6):c.2750T>C (p.Met917Thr)

Gene: ZSWIM6 (zinc finger SWIM-type containing 6; plus strand). Cytogenetic location: 5q12.1.
Variant type: single nucleotide variant.
Coding change: c.2750T>C on transcript NM_020928.2 (MANE Select); coding-DNA position 2750, T replaced by C.
Protein change: p.Met917Thr; replaces methionine 917 with threonine.
Molecular consequence: missense variant.
Genome position (GRCh38, 1-based): chr5:61,541,930, T>C. VCF-style: chr5-61541930-T-C. GRCh37 (hg19) VCF-style: chr5-60837757-T-C.
Other names: short protein forms M917T.
Identifiers: ClinVar variation 3643532 (VCV003643532.2).

ClinVar aggregate classification (germline): Uncertain significance (1 of 4 stars; one submission).

gnomAD v4.1: 1 of 1,551,266 alleles (0.000064%); highest among the groups gnomAD compares: Non-Finnish European, 0.000087%; no homozygotes.

Submission:

Labcorp Genetics (formerly Invitae), Labcorp
Classification: Uncertain significance. Last evaluated: 2024-02-27. Review status: criteria provided, single submitter. Criteria: Invitae Variant Classification Sherloc (09022015). Collection method: clinical testing. Allele origin: germline.
Comment: This sequence change replaces methionine, which is neutral and non-polar, with threonine, which is neutral and polar, at codon 917 of the ZSWIM6 protein (p.Met917Thr). This variant is not present in population databases (gnomAD no frequency). This variant has not been reported in the literature in individuals affected with ZSWIM6-related conditions. Advanced modeling of protein sequence and biophysical properties (such as structural, functional, and spatial information, amino acid conservation, physicochemical variation, residue mobility, and thermodynamic stability) performed at Invitae indicates that this missense variant is not expected to disrupt ZSWIM6 protein function with a negative predictive value of 80%. In summary, the available evidence is currently insufficient to determine the role of this variant in disease. Therefore, it has been classified as a Variant of Uncertain Significance.